The following is an entry in ClinVar:

ClinVar aggregate classification (germline): Uncertain significance. Review status: criteria provided, single submitter (1 of 4 stars). 2 submissions from 2 submitters: Uncertain significance (1). 1 of the submissions does not count toward it. Last evaluated 2025-05-22.

Conditions:
MBTPS2-related disorder. Also called: MBTPS2-related condition.

Submissions (2):

Labcorp Genetics (formerly Invitae), Labcorp
Classification: Uncertain significance. Last evaluated: 2025-05-22. Review status: criteria provided, single submitter. Criteria: Invitae Variant Classification Sherloc (09022015). Collection method: clinical testing. Allele origin: germline.
Comment: This variant, c.387_389del, results in the deletion of 1 amino acid(s) of the MBTPS2 protein (p.Ser136del), but otherwise preserves the integrity of the reading frame. The frequency data for this variant in the population databases is considered unreliable, as metrics indicate poor data quality at this position in the gnomAD database. This variant has not been reported in the literature in individuals affected with MBTPS2-related conditions. Experimental studies and prediction algorithms are not available or were not evaluated, and the functional significance of this variant is currently unknown. In summary, the available evidence is currently insufficient to determine the role of this variant in disease. Therefore, it has been classified as a Variant of Uncertain Significance.

PreventionGenetics, part of Exact Sciences
Classification: Likely benign for MBTPS2-related condition. Last evaluated: 2019-03-01. Review status: no assertion criteria provided. Collection method: clinical testing. Allele origin: germline. Not counted in ClinVar's aggregate classification.
Comment: This variant is classified as likely benign based on ACMG/AMP sequence variant interpretation guidelines (Richards et al. 2015 PMID: 25741868, with internal and published modifications).

NM_015884.4(MBTPS2):c.384TTC[1] (p.Ser136del)

Gene: MBTPS2 (membrane bound transcription factor peptidase, site 2; plus strand). Cytogenetic location: Xp22.12.
Variant type: Microsatellite.
Coding change: c.384TTC[1] on transcript NM_015884.4 (MANE Select); one copy of the 3-base unit TTC starting at c.384; the reference has two copies in a row; one copy, 3 bases deleted.
Protein change: p.Ser136del; deletes serine 136.
Molecular consequence: inframe deletion.
Genome position (GRCh38, 1-based): chrX:21,845,333-21,845,335, TTC deleted; deleting any 3 consecutive bases within chrX:21,845,328-21,845,335 gives the same sequence; the position shown is the placement nearest the transcript's 3' end. VCF-style (leftmost placement, unchanged base first): chrX-21845327-CTCT-C. GRCh37 (hg19) VCF-style: chrX-21863445-CTCT-C.
Other names: c.387_389delTTC (NM_015884.3); short protein forms S136del.
Identifiers: ClinVar variation 2140071 (VCV002140071.6), dbSNP rs3834687, ClinGen allele CA10367343.